The following is an entry in ClinVar:

NM_001083614.2(EARS2):c.716T>C (p.Met239Thr)

Gene: EARS2 (glutamyl-tRNA synthetase 2, mitochondrial; minus strand). Cytogenetic location: 16p12.2.
Variant type: single nucleotide variant.
Coding change: c.716T>C on transcript NM_001083614.2 (MANE Select); coding-DNA position 716, T replaced by C.
Protein change: p.Met239Thr; replaces methionine 239 with threonine.
Molecular consequence: missense variant. On other transcripts: non-coding transcript variant (1).
Genome position (GRCh38, 1-based): chr16:23,535,130, A>G on the plus strand (T>C on the coding strand, the complement: EARS2 is on the minus strand). VCF-style: chr16-23535130-A-G. GRCh37 (hg19) VCF-style: chr16-23546451-A-G.
Other names: c.716T>C, p.Met239Thr (NM_001308211.1, NM_133451.1); short protein forms M239T.
Identifiers: ClinVar variation 2580646 (VCV002580646.1), dbSNP rs762268208, ClinGen allele CA7962518.
Genomic context (GRCh38, chr16:23,535,130, plus strand): 5'-AGCAGGTGCTTGGCAGTGGAGACGAGCCACTCAGAGCCTCGCAGCACGTGGCTGATGCCC[A>G]TGTGGTGGTCGTCCACCACGCAGGCCAGGTGGTATGTGGGGAAGCCGTCGCTCTTCATGA-3'
Protein context (NP_001077083.1, residues 229-249): HLACVVDDHH[Met239Thr]GISHVLRGSE

ClinVar aggregate classification (germline): Uncertain significance (1 of 4 stars; one submission).

Allele frequency attached by ClinVar (database versions not stated): TOPMed below 0.00001; ExAC 0.00001; gnomAD exomes 0.00001.

Submission:

GeneDx
Classification: Uncertain significance. Last evaluated: 2023-03-22. Review status: criteria provided, single submitter. Criteria: GeneDx Variant Classification Process June 2021. Collection method: clinical testing. Allele origin: germline. Affected: yes.
Comment: Not observed at significant frequency in large population cohorts (gnomAD); In silico analysis supports that this missense variant has a deleterious effect on protein structure/function; Has not been previously published as pathogenic or benign to our knowledge